The following is an entry in ClinVar:

NM_000083.3(CLCN1):c.2365-3T>C

Gene: CLCN1 (chloride voltage-gated channel 1; plus strand). Cytogenetic location: 7q34.
Variant type: single nucleotide variant.
Coding change: c.2365-3T>C on transcript NM_000083.3 (MANE Select); 3 bases into the intron before coding-DNA position 2365, T replaced by C.
Molecular consequence: intron variant.
Genome position (GRCh38, 1-based): chr7:143,346,908, T>C. VCF-style: chr7-143346908-T-C. GRCh37 (hg19) VCF-style: chr7-143044001-T-C.
Identifiers: ClinVar variation 938402 (VCV000938402.10), dbSNP rs770158484, ClinGen allele CA4537663.

ClinVar aggregate classification (germline): Uncertain significance. Review status: criteria provided, multiple submitters, no conflicts (2 of 4 stars). 2 submissions from 2 submitters: Uncertain significance (2). Last evaluated 2025-07-24.

Conditions:
Congenital myotonia, autosomal dominant form (THD). Also called: THOMSEN DISEASE; Myotonia congenita autosomal dominant. Identifiers: Orphanet 614, MedGen C2936781, MONDO:0008055, OMIM 160800.
Congenital myotonia, autosomal recessive form. Also called: Becker Generalized Myotonia; myotonia congenita, autosomal recessive; BECKER DISEASE. Identifiers: Orphanet 614, MedGen C0751360, MONDO:0009715, OMIM 255700.

Allele frequency attached by ClinVar (database versions not stated): gnomAD 0.00001 and 0.00002; gnomAD exomes 0.00001 and 0.00005; TOPMed 0.00002; ExAC 0.00003.
gnomAD v4.1: 17 of 1,613,602 alleles (0.0011%); highest among the groups gnomAD compares: East Asian, 0.029%; no homozygotes.

Submissions (2):

Labcorp Genetics (formerly Invitae), Labcorp
Classification: Uncertain significance for Congenital myotonia, autosomal recessive form; Congenital myotonia, autosomal dominant form. Last evaluated: 2025-07-24. Review status: criteria provided, single submitter. Criteria: Invitae Variant Classification Sherloc (09022015). Collection method: clinical testing. Allele origin: germline.
Comment: This sequence change falls in intron 19 of the CLCN1 gene. It does not directly change the encoded amino acid sequence of the CLCN1 protein. It affects a nucleotide within the consensus splice site. This variant is present in population databases (rs770158484, gnomAD 0.06%). This variant has not been reported in the literature in individuals affected with CLCN1-related conditions. ClinVar contains an entry for this variant (Variation ID: 938402). Variants that disrupt the consensus splice site are a relatively common cause of aberrant splicing (PMID: 17576681, 9536098). Algorithms developed to predict the effect of sequence changes on RNA splicing suggest that this variant is not likely to affect RNA splicing. In summary, the available evidence is currently insufficient to determine the role of this variant in disease. Therefore, it has been classified as a Variant of Uncertain Significance.

Athena Diagnostics
Classification: Uncertain significance. Last evaluated: 2022-07-19. Review status: criteria provided, single submitter. Criteria: Athena Diagnostics Criteria. Collection method: clinical testing. Allele origin: unknown.

Literature cited by the submitters: PubMed 17576681 (cited by Labcorp Genetics (formerly Invitae), Labcorp); PubMed 9536098 (cited by Labcorp Genetics (formerly Invitae), Labcorp).